The following is an entry in ClinVar:

ClinVar aggregate classification (germline): Conflicting classifications of pathogenicity. Review status: criteria provided, conflicting classifications (1 of 4 stars). 2 submissions from 2 submitters: Uncertain significance (1); Likely benign (1). Last evaluated 2022-12-14.

Conditions:
Inborn genetic diseases. Identifiers: MedGen C0950123, MeSH D030342.
Predisposition to invasive fungal disease due to CARD9 deficiency (IMD103). Also called: Candidiasis, familial, 2, autosomal recessive; CARD9 IMMUNODEFICIENCY; IMMUNODEFICIENCY 103, SUSCEPTIBILITY TO FUNGAL INFECTIONS. Identifiers: Orphanet 457088, MedGen C1859353, MONDO:0008905, OMIM 212050.

gnomAD v4.1: 20 of 1,612,116 alleles (0.0012%); highest among the groups gnomAD compares: Non-Finnish European, 0.0017%; no homozygotes.

Submissions (2):

Ambry Genetics
Classification: Likely benign for Inborn genetic diseases. Last evaluated: 2022-12-14. Review status: criteria provided, single submitter. Criteria: Ambry Variant Classification Scheme 2023. Collection method: clinical testing. Allele origin: germline.

Labcorp Genetics (formerly Invitae), Labcorp
Classification: Uncertain significance for Predisposition to invasive fungal disease due to CARD9 deficiency. Last evaluated: 2022-04-19. Review status: criteria provided, single submitter. Criteria: Invitae Variant Classification Sherloc (09022015). Collection method: clinical testing. Allele origin: germline.
Comment: This sequence change replaces arginine, which is basic and polar, with leucine, which is neutral and non-polar, at codon 475 of the CARD9 protein (p.Arg475Leu). The frequency data for this variant in the population databases is considered unreliable, as metrics indicate poor data quality at this position in the gnomAD database. This variant has not been reported in the literature in individuals affected with CARD9-related conditions. ClinVar contains an entry for this variant (Variation ID: 1021343). Algorithms developed to predict the effect of missense changes on protein structure and function output the following: SIFT: "Tolerated"; PolyPhen-2: "Benign"; Align-GVGD: "Class C0". The leucine amino acid residue is found in multiple mammalian species, which suggests that this missense change does not adversely affect protein function. In summary, the available evidence is currently insufficient to determine the role of this variant in disease. Therefore, it has been classified as a Variant of Uncertain Significance.

NM_052813.5(CARD9):c.1424G>T (p.Arg475Leu)

Gene: CARD9 (caspase recruitment domain family member 9; minus strand). Cytogenetic location: 9q34.3.
Variant type: single nucleotide variant.
Coding change: c.1424G>T on transcript NM_052813.5 (MANE Select); coding-DNA position 1424, G replaced by T.
Protein change: p.Arg475Leu; replaces arginine 475 with leucine.
Molecular consequence: missense variant.
Genome position (GRCh38, 1-based): chr9:136,365,151, C>A on the plus strand (G>T on the coding strand, the complement: CARD9 is on the minus strand). VCF-style: chr9-136365151-C-A. GRCh37 (hg19) VCF-style: chr9-139259603-C-A.
Other names: c.1424G>T, p.Arg475Leu (NM_052814.4); c.1424G>T (NM_052813.4); short protein forms R475L.
Identifiers: ClinVar variation 1021343 (VCV001021343.7), dbSNP rs374115294, ClinGen allele CA375541749.